The following is an entry in ClinVar:

ClinVar aggregate classification (germline): Benign (1 of 4 stars; one submission).

Allele frequency attached by ClinVar (database versions not stated): 1000 Genomes Project 30x 0.93301; 1000 Genomes Project 0.93391; TOPMed 0.95075; gnomAD 0.95175; gnomAD exomes 0.96319.
gnomAD v4.1: 653,560 of 680,454 alleles (96%); highest among the groups gnomAD compares: East Asian, 99%; 314,182 homozygotes.

Submission:

Unidad de Genómica Garrahan, Hospital de Pediatría Garrahan
Classification: Benign. Last evaluated: 2024-01-24. Review status: criteria provided, single submitter. Criteria: ACMG Guidelines, 2015. Collection method: clinical testing. Allele origin: germline. Affected: no. Observed: 34 variant alleles.
Comment: This variant is classified as Benign based on local population frequency. This variant was detected in 39% of patients studied by a panel of primary immunodeficiencies. Number of patients: 34. Only high quality variants are reported.

NM_001375834.1(WIPF1):c.358+420A>G

Gene: WIPF1 (WAS/WASL interacting protein family member 1; minus strand). Cytogenetic location: 2q31.1.
Variant type: single nucleotide variant.
Coding change: c.358+420A>G on transcript NM_001375834.1 (MANE Select); 420 bases into the intron after coding-DNA position 358, A replaced by G.
Molecular consequence: intron variant.
Genome position (GRCh38, 1-based): chr2:174,574,784, T>C on the plus strand (A>G on the coding strand, the complement: WIPF1 is on the minus strand). VCF-style: chr2-174574784-T-C. GRCh37 (hg19) VCF-style: chr2-175439512-T-C.
Other names: c.358+420A>G (NM_001375832.1, NM_001375836.1, NM_001375837.1 and 5 more transcripts); c.182-2539A>G (NM_001375839.1).
Identifiers: ClinVar variation 2688443 (VCV002688443.2), dbSNP rs1367218, ClinGen allele CA60845270.